The following is an entry in ClinVar:

NM_182513.4(SPC24):c.411-17_411-15del

Gene: SPC24 (SPC24 component of NDC80 kinetochore complex; minus strand). Cytogenetic location: 19p13.2.
Variant type: Deletion.
Coding change: c.411-17_411-15del on transcript NM_182513.4 (MANE Select); 17 bases into the intron before coding-DNA position 411 through 15 bases into the intron before coding-DNA position 411, 3 bases deleted (TTT; older notation c.411-17_411-15delTTT).
Molecular consequence: intron variant.
Genome position (GRCh38, 1-based): chr19:11,147,909-11,147,911, AAA deleted on the plus strand (TTT on the coding strand, the reverse complement: SPC24 is on the minus strand); deleting any 3 consecutive bases within chr19:11,147,909-11,147,930 gives the same sequence; the c. name uses the placement nearest the transcript's 3' end. VCF-style (leftmost placement, unchanged base first): chr19-11147908-CAAA-C. GRCh37 (hg19) VCF-style: chr19-11258584-CAAA-C.
Other names: c.410+102_410+104del (NM_001394317.1, NM_001394318.1); c.411-17_411-15del (NM_001394315.1, NM_001317031.2, NM_001394314.1 and 2 more transcripts).
Identifiers: ClinVar variation 3037662 (VCV003037662.2), dbSNP rs58845884, ClinGen allele CA783250763.
Genomic context (GRCh38, chr19:11,147,908, plus strand): 5'-AATCCCACTCAATTTTACTAACTTGGTGGTAAAGTTGAGCCACGTACCTGTACAGGAAGA[CAAA>C]AAAAAAAAAAAAAAAAAAAGAAAGTTACCCAGCACCAACTTCAACCAAGAGCCGGACTGC-3'

ClinVar aggregate classification (germline): Likely benign (0 of 4 stars; one submission).

Conditions:
SPC24-related disorder. Also called: SPC24-related condition.

Submission:

PreventionGenetics, part of Exact Sciences
Classification: Likely benign for SPC24-related condition. Last evaluated: 2024-02-29. Review status: no assertion criteria provided. Collection method: clinical testing. Allele origin: germline.
Comment: This variant is classified as likely benign based on ACMG/AMP sequence variant interpretation guidelines (Richards et al. 2015 PMID: 25741868, with internal and published modifications).